The following is an entry in ClinVar:

NM_015665.6(AAAS):c.37C>G (p.Arg13Gly)

Gene: AAAS (aladin WD repeat nucleoporin; minus strand). Cytogenetic location: 12q13.13.
Variant type: single nucleotide variant.
Coding change: c.37C>G on transcript NM_015665.6 (MANE Select); coding-DNA position 37, C replaced by G.
Protein change: p.Arg13Gly; replaces arginine 13 with glycine.
Molecular consequence: missense variant.
Genome position (GRCh38, 1-based): chr12:53,321,429, G>C on the plus strand (C>G on the coding strand, the complement: AAAS is on the minus strand). VCF-style: chr12-53321429-G-C. GRCh37 (hg19) VCF-style: chr12-53715213-G-C.
Other names: c.37C>G, p.Arg13Gly (NM_001173466.2); short protein forms R13G.
Identifiers: ClinVar variation 4700412 (VCV004700412.1).
Genomic context (GRCh38, chr12:53,321,429, plus strand): 5'-TCTCATAGCTACTGCCCGTCACCAGCTCGTTATTGTGCTCATATAGGGTGACTTGACCCC[G>C]AGGCGGTGGAGGAGGGAACAACCCCAGAGAGCACATCTTGCCGGTTCGCAGGACGTCTGC-3'
Protein context (NP_056480.1, residues 3-23): SLGLFPPPPP[Arg13Gly]GQVTLYEHNN

ClinVar aggregate classification (germline): Uncertain significance (1 of 4 stars; one submission).

Submission:

Labcorp Genetics (formerly Invitae), Labcorp
Classification: Uncertain significance. Last evaluated: 2026-01-26. Review status: criteria provided, single submitter. Criteria: Invitae Variant Classification Sherloc (09022015). Collection method: clinical testing. Allele origin: germline.
Comment: This sequence change replaces arginine, which is basic and polar, with glycine, which is neutral and non-polar, at codon 13 of the AAAS protein (p.Arg13Gly). This variant is not present in population databases (gnomAD no frequency). This variant has not been reported in the literature in individuals affected with AAAS-related conditions. Invitae Evidence Modeling of protein sequence and biophysical properties (such as structural, functional, and spatial information, amino acid conservation, physicochemical variation, residue mobility, and thermodynamic stability) indicates that this missense variant is not expected to disrupt AAAS protein function with a negative predictive value of 80%. In summary, the available evidence is currently insufficient to determine the role of this variant in disease. Therefore, it has been classified as a Variant of Uncertain Significance.